The following is an entry in ClinVar:

NM_000038.6(APC):c.5600T>A (p.Phe1867Tyr)

Gene: APC (APC regulator of Wnt signaling pathway; plus strand). Cytogenetic location: 5q22.2.
Variant type: single nucleotide variant.
Coding change: c.5600T>A on transcript NM_000038.6 (MANE Select); coding-DNA position 5600, T replaced by A.
Protein change: p.Phe1867Tyr; replaces phenylalanine 1867 with tyrosine.
Molecular consequence: missense variant.
Genome position (GRCh38, 1-based): chr5:112,841,194, T>A. VCF-style: chr5-112841194-T-A. GRCh37 (hg19) VCF-style: chr5-112176891-T-A.
Other names: c.5600T>A, p.Phe1867Tyr (NM_001127510.3, NM_001354895.2); c.5546T>A, p.Phe1849Tyr (NM_001127511.3); c.5654T>A, p.Phe1885Tyr (NM_001354896.2); c.5630T>A, p.Phe1877Tyr (NM_001354897.2); c.5525T>A, p.Phe1842Tyr (NM_001354898.2); c.5516T>A, p.Phe1839Tyr (NM_001354899.2); c.5477T>A, p.Phe1826Tyr (NM_001354900.2); c.5423T>A, p.Phe1808Tyr (NM_001354901.2); and 6 more; short protein forms F1584Y, F1707Y, F1741Y, F1766Y, F1776Y, F1808Y, F1826Y, F1839Y.
Identifiers: ClinVar variation 1018693 (VCV001018693.49), dbSNP rs1765988972, ClinGen allele CA16033586.

ClinVar aggregate classification (germline): Conflicting classifications of pathogenicity. Review status: criteria provided, conflicting classifications (1 of 4 stars). 2 submissions from 2 submitters: Uncertain significance (1); Likely benign (1). Last evaluated 2023-12-15.

Conditions:
Hereditary cancer-predisposing syndrome. Also called: Tumor predisposition; Neoplastic Syndromes, Hereditary; Hereditary neoplastic syndrome; Hereditary Cancer Syndrome. Identifiers: Orphanet 140162, MedGen C0027672, MeSH D009386, MONDO:0015356.
Familial adenomatous polyposis 1 (FAP1). Also called: POLYPOSIS, ADENOMATOUS INTESTINAL; FAMILIAL ADENOMATOUS POLYPOSIS 1, ATTENUATED. Identifiers: MedGen C2713442, MONDO:0021056, OMIM 175100. Disease mechanism: loss of function.

Submissions (2):

Ambry Genetics
Classification: Uncertain significance for Hereditary cancer-predisposing syndrome. Last evaluated: 2023-12-15. Review status: criteria provided, single submitter. Criteria: Ambry Variant Classification Scheme 2023. Collection method: clinical testing. Allele origin: germline.
Comment: The p.F1867Y variant (also known as c.5600T>A), located in coding exon 15 of the APC gene, results from a T to A substitution at nucleotide position 5600. The phenylalanine at codon 1867 is replaced by tyrosine, an amino acid with highly similar properties. This amino acid position is conserved. In addition, in silico predictors for this gene do not accurately predict pathogenicity. Since supporting evidence is limited at this time, the clinical significance of this alteration remains unclear.

Labcorp Genetics (formerly Invitae), Labcorp
Classification: Likely benign for Familial adenomatous polyposis 1. Last evaluated: 2022-10-25. Review status: criteria provided, single submitter. Criteria: Invitae Variant Classification Sherloc (09022015). Collection method: clinical testing. Allele origin: germline.